The following is an entry in ClinVar:

ClinVar aggregate classification (germline): Likely benign. Review status: criteria provided, multiple submitters, no conflicts (2 of 4 stars). 2 submissions from 2 submitters: Likely benign (2). Last evaluated 2018-06-16.

Allele frequency attached by ClinVar (database versions not stated): 1000 Genomes Project 0.01098; gnomAD 0.01133 and 0.01224; 1000 Genomes Project 30x 0.01249; TOPMed 0.01258.
gnomAD v4.1: 3,849 of 1,473,398 alleles (0.26%); highest among the groups gnomAD compares: African/African-American, 3.6%; 60 homozygotes.

Submissions (2):

GeneDx
Classification: Likely benign. Last evaluated: 2018-06-16. Review status: criteria provided, single submitter. Criteria: GeneDx Variant Classification (06012015). Collection method: clinical testing. Allele origin: germline. Affected: yes.
Comment: This variant is considered likely benign or benign based on one or more of the following criteria: it is a conservative change, it occurs at a poorly conserved position in the protein, it is predicted to be benign by multiple in silico algorithms, and/or has population frequency not consistent with disease.

Breakthrough Genomics
Classification: Likely benign. Review status: criteria provided, single submitter. Criteria: ACMG Guidelines, 2015. Collection method: not provided. Allele origin: germline. Inheritance: Autosomal recessive inheritance. Affected: yes.

NM_020297.4(ABCC9):c.1165-54T>C

Gene: ABCC9 (ATP binding cassette subfamily C member 9; minus strand). Cytogenetic location: 12p12.1.
Variant type: single nucleotide variant.
Coding change: c.1165-54T>C on transcript NM_020297.4 (MANE Select); 54 bases into the intron before coding-DNA position 1165, T replaced by C.
Molecular consequence: intron variant.
Genome position (GRCh38, 1-based): chr12:21,910,366, A>G on the plus strand (T>C on the coding strand, the complement: ABCC9 is on the minus strand). VCF-style: chr12-21910366-A-G. GRCh37 (hg19) VCF-style: chr12-22063300-A-G.
Other names: c.301-54T>C (NM_001377274.1); c.1165-54T>C (NM_005691.4, NM_001377273.1).
Identifiers: ClinVar variation 671386 (VCV000671386.2), dbSNP rs113122586, ClinGen allele CA233609078.